The following is an entry in ClinVar:

NM_022575.4(VPS16):c.2295del (p.Lys765fs)

Genes: PTPRA (protein tyrosine phosphatase receptor type A; plus strand), VPS16 (VPS16 core subunit of CORVET and HOPS complexes; plus strand). Cytogenetic location: 20p13.
Variant type: Deletion.
Coding change: c.2295del on transcript NM_022575.4 (MANE Select); coding-DNA position 2295, one base deleted (A; older notation c.2295delA).
Protein change: p.Lys765fs; shifts the reading frame from lysine 765.
Molecular consequence: frameshift variant. On other transcripts: intron variant (1).
Genome position (GRCh38, 1-based): chr20:2,866,235, A deleted; the last of 3 consecutive A bases (chr20:2,866,233-2,866,235); deleting any one gives the same sequence. VCF-style (leftmost placement, unchanged base first): chr20-2866232-GA-G. GRCh37 (hg19) VCF-style: chr20-2846878-GA-G.
Other names: c.1863del, p.Lys621fs (NM_080413.3); c.-129+918del (NM_002836.4); short protein forms K621fs, K765fs.
Identifiers: ClinVar variation 4681474 (VCV004681474.5).

ClinVar aggregate classification (germline): Uncertain significance (1 of 4 stars; one submission).

Submission:

CeGaT Center for Human Genetics Tuebingen
Classification: Uncertain significance. Last evaluated: 2025-11-01. Review status: criteria provided, single submitter. Criteria: CeGaT Center For Human Genetics Tuebingen Variant Classification Criteria Version 2. Collection method: clinical testing. Allele origin: germline. Affected: yes. Observed: 1 variant allele.
Comment: VPS16: PM2, PVS1:Moderate